The following is an entry in ClinVar:

NM_004006.3(DMD):c.9266C>T (p.Thr3089Ile)

Gene: DMD (dystrophin; minus strand). Cytogenetic location: Xp21.2.
Variant type: single nucleotide variant.
Coding change: c.9266C>T on transcript NM_004006.3 (MANE Select); coding-DNA position 9266, C replaced by T.
Protein change: p.Thr3089Ile; replaces threonine 3089 with isoleucine.
Molecular consequence: missense variant.
Genome position (GRCh38, 1-based): chrX:31,260,975, G>A on the plus strand (C>T on the coding strand, the complement: DMD is on the minus strand). VCF-style: chrX-31260975-G-A. GRCh37 (hg19) VCF-style: chrX-31279092-G-A.
Other names: c.9242C>T, p.Thr3081Ile (NM_000109.4); c.9254C>T, p.Thr3085Ile (NM_004009.3); c.8897C>T, p.Thr2966Ile (NM_004010.3); c.5243C>T, p.Thr1748Ile (NM_004011.4); c.5234C>T, p.Thr1745Ile (NM_004012.4); c.1886C>T, p.Thr629Ile (NM_004013.3, NM_004020.4, NM_004021.3 and 2 more transcripts); c.1079C>T, p.Thr360Ile (NM_004014.3); c.62C>T, p.Thr21Ile (NM_004015.3, NM_004016.3, NM_004017.3 and 2 more transcripts); short protein forms T1745I, T2966I, T629I, T3081I, T360I, T1748I, T21I, T3089I.
Identifiers: ClinVar variation 1521214 (VCV001521214.3), dbSNP rs2147649036, ClinGen allele CA412652467.

ClinVar aggregate classification (germline): Uncertain significance (1 of 4 stars; one submission).

Conditions:
Duchenne muscular dystrophy (DMD). Also called: MUSCULAR DYSTROPHY, PSEUDOHYPERTROPHIC PROGRESSIVE, DUCHENNE TYPE; Duchenne Muscular Dystrophy (DMD). Identifiers: Orphanet 98896, MedGen C0013264, MONDO:0010679, OMIM 310200.

Submission:

Labcorp Genetics (formerly Invitae), Labcorp
Classification: Uncertain significance for Duchenne muscular dystrophy. Last evaluated: 2022-07-19. Review status: criteria provided, single submitter. Criteria: Invitae Variant Classification Sherloc (09022015). Collection method: clinical testing. Allele origin: germline.
Comment: This sequence change replaces threonine, which is neutral and polar, with isoleucine, which is neutral and non-polar, at codon 3089 of the DMD protein (p.Thr3089Ile). This variant is not present in population databases (gnomAD no frequency). This variant has not been reported in the literature in individuals affected with DMD-related conditions. ClinVar contains an entry for this variant (Variation ID: 1521214). Algorithms developed to predict the effect of missense changes on protein structure and function are either unavailable or do not agree on the potential impact of this missense change (SIFT: "Tolerated"; PolyPhen-2: "Possibly Damaging"; Align-GVGD: "Class C0"). In summary, the available evidence is currently insufficient to determine the role of this variant in disease. Therefore, it has been classified as a Variant of Uncertain Significance.